The following is an entry in ClinVar:

NM_003738.5(PTCH2):c.2933T>C (p.Val978Ala)

Gene: PTCH2 (patched 2; minus strand). Cytogenetic location: 1p34.1.
Variant type: single nucleotide variant.
Coding change: c.2933T>C on transcript NM_003738.5 (MANE Select); coding-DNA position 2933, T replaced by C.
Protein change: p.Val978Ala; replaces valine 978 with alanine.
Molecular consequence: missense variant.
Genome position (GRCh38, 1-based): chr1:44,826,531, A>G on the plus strand (T>C on the coding strand, the complement: PTCH2 is on the minus strand). VCF-style: chr1-44826531-A-G. GRCh37 (hg19) VCF-style: chr1-45292203-A-G.
Other names: c.2933T>C, p.Val978Ala (NM_001166292.2); short protein forms V978A.
Identifiers: ClinVar variation 1036806 (VCV001036806.9), dbSNP rs756475622, ClinGen allele CA822853.
Genomic context (GRCh38, chr1:44,826,531, plus strand): 5'-CTCCTGCAAGCACTCACTATGAGGCCAGCCGTCCAGGGGTTGAGGAGCAGCAGAGCACAG[A>G]CGAGGAAAGTGCACACCAGCAGGATGCAGACGGCCAGCAGGAAGCAGCGCCGCAGGCCCA-3'
Protein context (NP_003729.3, residues 968-988): VCILLVCTFL[Val978Ala]CALLLLNPWT

ClinVar aggregate classification (germline): Uncertain significance (1 of 4 stars; one submission).

Conditions:
Gorlin syndrome. Also called: Basal cell nevus syndrome; Nevoid Basal Cell Carcinoma Syndrome. Identifiers: Orphanet 377, MedGen C0004779, MONDO:0007187.

Allele frequency attached by ClinVar (database versions not stated): gnomAD exomes below 0.00001 and 0.00002; gnomAD 0.00001; TOPMed 0.00001; ExAC 0.00003.
gnomAD v4.1: 4 of 1,613,718 alleles (0.00025%); highest among the groups gnomAD compares: East Asian, 0.0089%; no homozygotes.

Submission:

Labcorp Genetics (formerly Invitae), Labcorp
Classification: Uncertain significance for Gorlin syndrome. Last evaluated: 2024-01-14. Review status: criteria provided, single submitter. Criteria: Invitae Variant Classification Sherloc (09022015). Collection method: clinical testing. Allele origin: germline.
Comment: This sequence change replaces valine, which is neutral and non-polar, with alanine, which is neutral and non-polar, at codon 978 of the PTCH2 protein (p.Val978Ala). This variant is present in population databases (rs756475622, gnomAD 0.03%). This variant has not been reported in the literature in individuals affected with PTCH2-related conditions. ClinVar contains an entry for this variant (Variation ID: 1036806). Advanced modeling of protein sequence and biophysical properties (such as structural, functional, and spatial information, amino acid conservation, physicochemical variation, residue mobility, and thermodynamic stability) performed at Invitae indicates that this missense variant is not expected to disrupt PTCH2 protein function with a negative predictive value of 80%. In summary, the available evidence is currently insufficient to determine the role of this variant in disease. Therefore, it has been classified as a Variant of Uncertain Significance.